The following is an entry in ClinVar:

ClinVar aggregate classification (germline): Uncertain significance (1 of 4 stars; one submission).

Conditions:
Primary ciliary dyskinesia. Also called: Ciliary dyskinesia. Identifiers: Orphanet 244, MedGen C0008780, MONDO:0016575, HP:0012265.

Submission:

Labcorp Genetics (formerly Invitae), Labcorp
Classification: Uncertain significance for Primary ciliary dyskinesia. Last evaluated: 2021-08-24. Review status: criteria provided, single submitter. Criteria: Invitae Variant Classification Sherloc (09022015). Collection method: clinical testing. Allele origin: germline.
Comment: This sequence change replaces glutamic acid with glycine at codon 2058 of the DNAH5 protein (p.Glu2058Gly). The glutamic acid residue is highly conserved and there is a moderate physicochemical difference between glutamic acid and glycine. This variant is not present in population databases (ExAC no frequency). This variant has not been reported in the literature in individuals affected with DNAH5-related conditions. Algorithms developed to predict the effect of missense changes on protein structure and function are either unavailable or do not agree on the potential impact of this missense change (SIFT: "Deleterious"; PolyPhen-2: "Possibly Damaging"; Align-GVGD: "Class C0"). In summary, the available evidence is currently insufficient to determine the role of this variant in disease. Therefore, it has been classified as a Variant of Uncertain Significance.

NM_001369.3(DNAH5):c.6173A>G (p.Glu2058Gly)

Gene: DNAH5 (dynein axonemal heavy chain 5; minus strand). Cytogenetic location: 5p15.2.
Variant type: single nucleotide variant.
Coding change: c.6173A>G on transcript NM_001369.3 (MANE Select); coding-DNA position 6173, A replaced by G.
Protein change: p.Glu2058Gly; replaces glutamic acid 2058 with glycine.
Molecular consequence: missense variant.
Genome position (GRCh38, 1-based): chr5:13,830,102, T>C on the plus strand (A>G on the coding strand, the complement: DNAH5 is on the minus strand). VCF-style: chr5-13830102-T-C. GRCh37 (hg19) VCF-style: chr5-13830211-T-C.
Other names: short protein forms E2058G.
Identifiers: ClinVar variation 2202266 (VCV002202266.1), dbSNP rs2546878648, ClinGen allele CA359201091.